The following is an entry in ClinVar:

NM_000257.4(MYH7):c.1315A>T (p.Met439Leu)

Gene: MYH7 (myosin heavy chain 7; minus strand). Cytogenetic location: 14q11.2.
Variant type: single nucleotide variant.
Coding change: c.1315A>T on transcript NM_000257.4 (MANE Select); coding-DNA position 1315, A replaced by T.
Protein change: p.Met439Leu; replaces methionine 439 with leucine.
Molecular consequence: missense variant.
Genome position (GRCh38, 1-based): chr14:23,429,047, T>A on the plus strand (A>T on the coding strand, the complement: MYH7 is on the minus strand). VCF-style: chr14-23429047-T-A. GRCh37 (hg19) VCF-style: chr14-23898256-T-A.
Other names: short protein forms M439L.
Identifiers: ClinVar variation 177948 (VCV000177948.18), dbSNP rs370310929, ClinGen allele CA010524.

ClinVar aggregate classification (germline): Uncertain significance. Review status: criteria provided, multiple submitters, no conflicts (2 of 4 stars). 8 submissions from 8 submitters: Uncertain significance (5). 3 of the submissions do not count toward it. Last evaluated 2025-07-02.

Conditions:
Cardiovascular phenotype. Identifiers: MedGen CN230736.
Cardiomyopathy (CMYO). Also called: Cardiomyopathies. Identifiers: Orphanet 167848, MedGen C0878544, MONDO:0004994, HP:0001638. Inheritance: Various modes of inheritance.
Hypertrophic cardiomyopathy. Also called: HYPERTROPHIC MYOCARDIOPATHY. Identifiers: Orphanet 217569, MedGen C0007194, MeSH D002312, MONDO:0005045, HP:0001639.

Allele frequency attached by ClinVar (database versions not stated): ExAC 0.00002; ESP Exome Variant Server 0.00008; gnomAD 0.00001; gnomAD exomes 0.00001; TOPMed 0.00001.
gnomAD v4.1: 18 of 1,614,080 alleles (0.0011%); highest among the groups gnomAD compares: Non-Finnish European, 0.0015%; no homozygotes.

Submissions (8):

Labcorp Genetics (formerly Invitae), Labcorp
Classification: Uncertain significance for Hypertrophic cardiomyopathy. Last evaluated: 2025-07-02. Review status: criteria provided, single submitter. Criteria: Invitae Variant Classification Sherloc (09022015). Collection method: clinical testing. Allele origin: germline.
Comment: This sequence change replaces methionine, which is neutral and non-polar, with leucine, which is neutral and non-polar, at codon 439 of the MYH7 protein (p.Met439Leu). This variant is present in population databases (rs370310929, gnomAD 0.003%). This missense change has been observed in individual(s) with hypertrophic cardiomyopathy (PMID: 27532257, 30847666, 37652022). ClinVar contains an entry for this variant (Variation ID: 177948). Invitae Evidence Modeling of protein sequence and biophysical properties (such as structural, functional, and spatial information, amino acid conservation, physicochemical variation, residue mobility, and thermodynamic stability) has been performed for this missense variant. However, the output from this modeling did not meet the statistical confidence thresholds required to predict the impact of this variant on MYH7 protein function. In summary, the available evidence is currently insufficient to determine the role of this variant in disease. Therefore, it has been classified as a Variant of Uncertain Significance.

Color Diagnostics, LLC DBA Color Health
Classification: Uncertain significance for Cardiomyopathy. Last evaluated: 2025-05-26. Review status: criteria provided, single submitter. Criteria: ACMG Guidelines, 2015. Collection method: clinical testing. Allele origin: germline.
Comment: This missense variant replaces methionine with leucine at codon 439 of the MYH7 protein. This variant is found within a highly conserved region of the myosin head domain. Missense variants in this region have been shown to be significantly overrepresented in individuals with affected with hypertrophic cardiomyopathy (PMID: 27532257). Computational prediction tool is inconclusive regarding the impact of this variant on protein structure and function. To our knowledge, functional studies have not been reported for this variant. This variant has been reported in several individuals affected with hypertrophic cardiomyopathy (PMID: 25611685, 27532257, 30847666, 33495597). This variant has been identified in 2/251494 chromosomes in the general population by the Genome Aggregation Database (gnomAD). The available evidence is insufficient to determine the role of this variant in disease conclusively. Therefore, this variant is classified as a Variant of Uncertain Significance.

All of Us Research Program, National Institutes of Health
Classification: Uncertain significance for Cardiomyopathy. Last evaluated: 2024-05-17. Review status: criteria provided, single submitter. Criteria: ACMG Guidelines, 2015. Collection method: clinical testing. Allele origin: germline. Inheritance: Autosomal dominant inheritance. Observed: 2 variant alleles, 2 heterozygotes.
Comment: This study involves interpretation of variants in research participants for the purpose of population health screening. Participant phenotype was not available at the time of variant classification. Additional details can be found in publication PMID: 35346344, PMCID: PMC8962531

Ambry Genetics
Classification: Uncertain significance for Cardiovascular phenotype. Last evaluated: 2024-04-15. Review status: criteria provided, single submitter. Criteria: Ambry Variant Classification Scheme 2023. Collection method: clinical testing. Allele origin: germline.
Comment: The p.M439L variant (also known as c.1315A>T), located in coding exon 12 of the MYH7 gene, results from an A to T substitution at nucleotide position 1315. The methionine at codon 439 is replaced by leucine, an amino acid with highly similar properties. This alteration is located in the myosin head domain, which contains a statistically significant clustering of pathogenic missense variants (Homburger JR et al. Proc Natl Acad Sci U S A, 2016 06;113:6701-6; Walsh R et al. Genet Med, 2017 02;19:192-203; Ambry internal data). This alteration has been reported in hypertrophic cardiomyopathy (HCM) cohorts (Walsh R et al. Genet Med, 2017 Feb;19:192-203; van Lint FHM et al. Neth Heart J, 2019 Jun;27:304-309; Harper AR et al. Nat Genet, 2021 Feb;53:135-142). This amino acid position is highly conserved in available vertebrate species. In addition, the in silico prediction for this alteration is inconclusive. Based on the available evidence, the clinical significance of this variant remains unclear.

Blueprint Genetics
Classification: Uncertain significance. Last evaluated: 2019-02-26. Review status: criteria provided, single submitter. Criteria: ACMG Guidelines, 2015. Collection method: clinical testing. Allele origin: germline.

Clinical Genetics, Academic Medical Center
Classification: Uncertain significance. Review status: no assertion criteria provided. Collection method: clinical testing. Allele origin: germline. Affected: yes. Study: VKGL Data-share Consensus. Not counted in ClinVar's aggregate classification.

Diagnostic Laboratory, Department of Genetics, University Medical Center Groningen
Classification: Uncertain significance. Review status: no assertion criteria provided. Collection method: clinical testing. Allele origin: germline. Affected: yes. Study: VKGL Data-share Consensus. Not counted in ClinVar's aggregate classification.

Laboratory for Molecular Medicine, Mass General Brigham Personalized Medicine
Classification: Likely pathogenic for Hypertrophic cardiomyopathy. Last evaluated: 2019-07-15. Review status: flagged submission. Criteria: ACMG Guidelines, 2015. Collection method: clinical testing. Allele origin: germline. Not counted in ClinVar's aggregate classification.
Comment: The Met439Leu variant has not been reported in the literature. Methionine (Met) at position 439 is highly conserved across several evolutionary distant species. In addition, this variant was predicted to be pathogenic using a novel computational tool (a customized sarcomere-specific PolyPhen tool, which was validated using a set of cardiomyopathy variants with well-established clinical significance). This tool's pathogenic prediction is estimated to be correct 94% of the time, which suggests but does not prove that this variant is pathogenic. Although we cannot exclude the possibility that this variant could be benign, this low frequency, high conservation and computational prediction together increase the likelihood that it is pathogenic.
ClinVar note: Reason: Clinical significance appears to be a case-level interpretation inconsistent with variant classification

Literature cited by the submitters: PubMed 27532257 (cited by 3 submitters); PubMed 30847666 (cited by 3 submitters); PubMed 37652022 (cited by Labcorp Genetics (formerly Invitae), Labcorp); PubMed 25611685 (cited by Color Diagnostics, LLC DBA Color Health); PubMed 33495597 (cited by Color Diagnostics, LLC DBA Color Health and Ambry Genetics).